The following is an entry in ClinVar:

ClinVar aggregate classification (germline): Uncertain significance (1 of 4 stars; one submission).

Allele frequency attached by ClinVar (database versions not stated): gnomAD exomes below 0.00001.
gnomAD v4.1: 6 of 1,614,086 alleles (0.00037%); highest among the groups gnomAD compares: East Asian, 0.0022%; no homozygotes.

Submission:

GeneDx
Classification: Uncertain significance. Last evaluated: 2019-07-13. Review status: criteria provided, single submitter. Criteria: GeneDx Variant Classification Process June 2021. Collection method: clinical testing. Allele origin: germline. Affected: yes.
Comment: In silico analysis, which includes protein predictors and evolutionary conservation, supports a deleterious effect; This variant is associated with the following publications: (PMID: 24807215)

NM_006415.4(SPTLC1):c.1286C>T (p.Ala429Val)

Gene: SPTLC1 (serine palmitoyltransferase long chain base subunit 1; minus strand). Cytogenetic location: 9q22.31.
Variant type: single nucleotide variant.
Coding change: c.1286C>T on transcript NM_006415.4 (MANE Select); coding-DNA position 1286, C replaced by T.
Protein change: p.Ala429Val; replaces alanine 429 with valine.
Molecular consequence: missense variant.
Genome position (GRCh38, 1-based): chr9:92,034,852, G>A on the plus strand (C>T on the coding strand, the complement: SPTLC1 is on the minus strand). VCF-style: chr9-92034852-G-A. GRCh37 (hg19) VCF-style: chr9-94797134-G-A.
Other names: c.1286C>T, p.Ala429Val (NM_001281303.2); c.920C>T, p.Ala307Val (NM_001368272.1); c.821C>T, p.Ala274Val (NM_001368273.1); short protein forms A274V, A307V, A429V.
Identifiers: ClinVar variation 1303389 (VCV001303389.2), dbSNP rs755756616, ClinGen allele CA195378460.